The following is an entry in ClinVar:

NM_080680.3(COL11A2):c.4261C>T (p.Pro1421Ser)

Gene: COL11A2 (collagen type XI alpha 2 chain; minus strand). Cytogenetic location: 6p21.32.
Variant type: single nucleotide variant.
Coding change: c.4261C>T on transcript NM_080680.3 (MANE Select); coding-DNA position 4261, C replaced by T.
Protein change: p.Pro1421Ser; replaces proline 1421 with serine.
Molecular consequence: missense variant.
Genome position (GRCh38, 1-based): chr6:33,166,797, G>A on the plus strand (C>T on the coding strand, the complement: COL11A2 is on the minus strand). VCF-style: chr6-33166797-G-A. GRCh37 (hg19) VCF-style: chr6-33134574-G-A.
Other names: c.4261C>T (NM_080680.2); c.3940C>T, p.Pro1314Ser (NM_080679.3); c.4003C>T, p.Pro1335Ser (NM_080681.3); short protein forms P1335S, P1314S, P1421S.
Identifiers: ClinVar variation 2192996 (VCV002192996.5), dbSNP rs1769214565, ClinGen allele CA363621345.
Genomic context (GRCh38, chr6:33,166,797, plus strand): 5'-CAGGGGAGCCCTGAGGCCCAGGAAGTCCCCGATCTCCCTTCTCTCCCTGCTCACCCGGGG[G>A]CCCAATCAGTCCAATGAGACCTGGGTGGCCCTAGAGAAGGGTGCAGGCAGTCAAGAGAAT-3'
Protein context (NP_542411.2, residues 1411-1431): GHPGLIGLIG[Pro1421Ser]PGEQGEKGDR

ClinVar aggregate classification (germline): Uncertain significance. Review status: criteria provided, multiple submitters, no conflicts (2 of 4 stars). 2 submissions from 2 submitters: Uncertain significance (2). Last evaluated 2025-09-23.

Submissions (2):

GeneDx
Classification: Uncertain significance. Last evaluated: 2025-09-23. Review status: criteria provided, single submitter. Criteria: GeneDx Variant Classification Process June 2021. Collection method: clinical testing. Allele origin: germline.
Comment: Not observed at significant frequency in large population cohorts (gnomAD); In silico analysis supports that this missense variant has a deleterious effect on protein structure/function; Has not been previously published as pathogenic or benign to our knowledge

Labcorp Genetics (formerly Invitae), Labcorp
Classification: Uncertain significance. Last evaluated: 2025-04-24. Review status: criteria provided, single submitter. Criteria: Invitae Variant Classification Sherloc (09022015). Collection method: clinical testing. Allele origin: germline.
Comment: This sequence change replaces proline, which is neutral and non-polar, with serine, which is neutral and polar, at codon 1421 of the COL11A2 protein (p.Pro1421Ser). This variant is not present in population databases (gnomAD no frequency). This variant has not been reported in the literature in individuals affected with COL11A2-related conditions. ClinVar contains an entry for this variant (Variation ID: 2192996). Invitae Evidence Modeling of protein sequence and biophysical properties (such as structural, functional, and spatial information, amino acid conservation, physicochemical variation, residue mobility, and thermodynamic stability) indicates that this missense variant is not expected to disrupt COL11A2 protein function with a negative predictive value of 95%. In summary, the available evidence is currently insufficient to determine the role of this variant in disease. Therefore, it has been classified as a Variant of Uncertain Significance.